The following is an entry in ClinVar:

NM_001292063.2(OTOG):c.1667A>G (p.Gln556Arg)

Gene: OTOG (otogelin; plus strand). Cytogenetic location: 11p15.1.
Variant type: single nucleotide variant.
Coding change: c.1667A>G on transcript NM_001292063.2 (MANE Select); coding-DNA position 1667, A replaced by G.
Protein change: p.Gln556Arg; replaces glutamine 556 with arginine.
Molecular consequence: missense variant.
Genome position (GRCh38, 1-based): chr11:17,569,178, A>G. VCF-style: chr11-17569178-A-G. GRCh37 (hg19) VCF-style: chr11-17590725-A-G.
Other names: c.1703A>G, p.Gln568Arg (NM_001277269.2); short protein forms Q568R, Q556R.
Identifiers: ClinVar variation 4987419 (VCV004987419.1).

ClinVar aggregate classification (germline): Uncertain significance (1 of 4 stars; one submission).

Conditions:
OTOG-related disorder. Also called: OTOG-related condition.

gnomAD v4.1: 1 of 1,550,622 alleles (0.000064%); highest among the groups gnomAD compares: East Asian, 0.0024%; no homozygotes.

Submission:

PreventionGenetics, part of Exact Sciences
Classification: Uncertain significance for OTOG-related condition. Last evaluated: 2025-11-10. Review status: criteria provided, single submitter. Criteria: ACMG Guidelines, 2015. Collection method: clinical testing. Allele origin: germline.
Comment: The OTOG c.1703A>G variant is predicted to result in the amino acid substitution p.Gln568Arg. To our knowledge, this variant has not been reported in the literature. This variant is reported in 0.0093% of alleles in individuals of East Asian descent in gnomAD. At this time, the clinical significance of this variant is uncertain due to the absence of conclusive functional and genetic evidence.